The following is an entry in ClinVar:

ClinVar aggregate classification (germline): Uncertain significance (1 of 4 stars; one submission).

Submission:

GeneDx
Classification: Uncertain significance. Last evaluated: 2026-09-28. Review status: criteria provided, single submitter. Criteria: GeneDx Variant Classification Process June 2021. Collection method: clinical testing. Allele origin: germline.
Comment: Not observed at significant frequency in large population cohorts (gnomAD); In silico analysis supports that this missense variant has a deleterious effect on protein structure/function; Has not been previously published as pathogenic or benign to our knowledge

NM_001079843.3(CASZ1):c.2066A>G (p.Lys689Arg)

Gene: CASZ1 (castor zinc finger 1; minus strand). Cytogenetic location: 1p36.22.
Variant type: single nucleotide variant.
Coding change: c.2066A>G on transcript NM_001079843.3 (MANE Select); coding-DNA position 2066, A replaced by G.
Protein change: p.Lys689Arg; replaces lysine 689 with arginine.
Molecular consequence: missense variant.
Genome position (GRCh38, 1-based): chr1:10,653,991, T>C on the plus strand (A>G on the coding strand, the complement: CASZ1 is on the minus strand). VCF-style: chr1-10653991-T-C. GRCh37 (hg19) VCF-style: chr1-10714048-T-C.
Other names: c.2066A>G, p.Lys689Arg (NM_017766.5); short protein forms K689R.
Identifiers: ClinVar variation 4755633 (VCV004755633.2).